The following is an entry in ClinVar:

ClinVar aggregate classification (germline): Uncertain significance. Review status: criteria provided, multiple submitters, no conflicts (2 of 4 stars). 7 submissions from 7 submitters: Uncertain significance (7). Last evaluated 2026-09-08.

Conditions:
CBL-related disorder. Also called: NOONAN SYNDROME-LIKE DISORDER WITHOUT JUVENILE MYELOMONOCYTIC LEUKEMIA; CBL MUTATION-ASSOCIATED SYNDROME; CBL SYNDROME. Identifiers: Orphanet 363972, MedGen C3150803, MONDO:0013308, OMIM 613563.
Juvenile myelomonocytic leukemia (JMML). Also called: LEUKEMIA, JUVENILE MYELOMONOCYTIC, SOMATIC. Identifiers: Orphanet 86834, MedGen C0349639, MONDO:0011908, OMIM 607785, HP:0012209.
Noonan syndrome and Noonan-related syndrome. Identifiers: Orphanet 98733, MedGen C5681679, MONDO:0020297.
Cardiovascular phenotype. Identifiers: MedGen CN230736.
RASopathy. Also called: rasopathies; Noonan spectrum disorder. Identifiers: Orphanet 536391, MedGen C5555857, MONDO:0021060.

Allele frequency attached by ClinVar (database versions not stated): ExAC 0.00003; gnomAD 0.00003 and 0.00002; TOPMed 0.00003; ESP Exome Variant Server 0.00008; gnomAD exomes 0.00002.
gnomAD v4.1: 36 of 1,514,944 alleles (0.0024%); highest among the groups gnomAD compares: East Asian, 0.016%; no homozygotes.

Submissions (7):

Ambry Genetics
Classification: Uncertain significance for Cardiovascular phenotype. Last evaluated: 2026-09-08. Review status: criteria provided, single submitter. Criteria: Ambry Variant Classification Scheme 2023. Collection method: clinical testing. Allele origin: germline.
Comment: The c.2153G>A (p.R718Q) alteration is located in exon 13 (coding exon 13) of the CBL gene. This alteration results from a G to A substitution at nucleotide position 2153, causing the arginine (R) at amino acid position 718 to be replaced by a glutamine (Q). Based on data from gnomAD, the A allele has an overall frequency of 0.003% (8/282674) total alleles studied. The highest observed frequency was 0.008% (2/24950) of African alleles. Based on insufficient or conflicting evidence, the clinical significance of this alteration remains unclear.

Labcorp Genetics (formerly Invitae), Labcorp
Classification: Uncertain significance for RASopathy. Last evaluated: 2025-12-09. Review status: criteria provided, single submitter. Criteria: Invitae Variant Classification Sherloc (09022015). Collection method: clinical testing. Allele origin: germline.
Comment: This sequence change replaces arginine, which is basic and polar, with glutamine, which is neutral and polar, at codon 718 of the CBL protein (p.Arg718Gln). This variant also falls at the last nucleotide of exon 13, which is part of the consensus splice site for this exon. This variant is present in population databases (rs144894769, gnomAD 0.008%). This variant has not been reported in the literature in individuals affected with CBL-related conditions. ClinVar contains an entry for this variant (Variation ID: 543979). Invitae Evidence Modeling of protein sequence and biophysical properties (such as structural, functional, and spatial information, amino acid conservation, physicochemical variation, residue mobility, and thermodynamic stability) indicates that this missense variant is not expected to disrupt CBL protein function with a negative predictive value of 95%. Variants that disrupt the consensus splice site are a relatively common cause of aberrant splicing (PMID: 17576681, 9536098). In summary, the available evidence is currently insufficient to determine the role of this variant in disease. Therefore, it has been classified as a Variant of Uncertain Significance.

Blueprint Genetics
Classification: Uncertain significance. Last evaluated: 2024-03-07. Review status: criteria provided, single submitter. Criteria: ACMG Guidelines, 2015. Collection method: clinical testing. Allele origin: germline.

Fulgent Genetics
Classification: Uncertain significance for Juvenile myelomonocytic leukemia; CBL-related disorder. Last evaluated: 2021-08-16. Review status: criteria provided, single submitter. Criteria: ACMG Guidelines, 2015. Collection method: clinical testing. Allele origin: unknown.

Women's Health and Genetics/Laboratory Corporation of America, LabCorp
Classification: Uncertain significance. Last evaluated: 2021-01-28. Review status: criteria provided, single submitter. Criteria: LabCorp Variant Classification Summary - May 2015. Collection method: clinical testing. Allele origin: germline.
Comment: Variant summary: CBL c.2153G>A (p.Arg718Gln) results in a conservative amino acid change in the encoded protein sequence. Four of five in-silico tools predict a benign effect of the variant on protein function. The variant is located to the last nucleotide of exon 13, and therefore can affect splicing. Several computational tools predict a significant impact on normal splicing: one predicts the variant abolishes the 5' splicing donor site, while three predict the variant weakens this donor site. However, these predictions have yet to be confirmed by functional studies. The variant allele was found at a frequency of 2.4e-05 in 251286 control chromosomes (gnomAD). The available data on variant occurrences in the general population are insufficient to allow any conclusion about variant significance. To our knowledge, no occurrence of c.2153G>A in individuals affected with Noonan Syndrome-Like Disorder and no experimental evidence demonstrating its impact on protein function have been reported. One clinical diagnostic laboratory has submitted clinical-significance assessments for this variant to ClinVar after 2014, and classified the variant as uncertain significance. Based on the evidence outlined above, the variant was classified as uncertain significance.

Genome Diagnostics Laboratory, The Hospital for Sick Children
Classification: Uncertain significance for Noonan syndrome and Noonan-related syndrome. Last evaluated: 2020-11-19. Review status: criteria provided, single submitter. Criteria: ACMG Guidelines, 2015. Collection method: clinical testing. Allele origin: germline.

Revvity Omics, Revvity
Classification: Uncertain significance. Last evaluated: 2019-08-02. Review status: criteria provided, single submitter. Criteria: ACMG Guidelines, 2015. Collection method: clinical testing. Allele origin: germline.

Literature cited by the submitters: PubMed 17576681 (cited by Labcorp Genetics (formerly Invitae), Labcorp); PubMed 9536098 (cited by Labcorp Genetics (formerly Invitae), Labcorp).

NM_005188.4(CBL):c.2153G>A (p.Arg718Gln)

Gene: CBL (Cbl proto-oncogene; plus strand). Cytogenetic location: 11q23.3.
Variant type: single nucleotide variant.
Coding change: c.2153G>A on transcript NM_005188.4 (MANE Select); coding-DNA position 2153, G replaced by A.
Protein change: p.Arg718Gln; replaces arginine 718 with glutamine.
Molecular consequence: missense variant.
Genome position (GRCh38, 1-based): chr11:119,297,034, G>A. VCF-style: chr11-119297034-G-A. GRCh37 (hg19) VCF-style: chr11-119167744-G-A.
Other names: c.2153G>A (NM_005188.2); short protein forms R718Q.
Identifiers: ClinVar variation 543979 (VCV000543979.19), dbSNP rs144894769, ClinGen allele CA6318687.
Genomic context (GRCh38, chr11:119,297,034, plus strand): 5'-CAGAGTACATGACTCCCTCTTCCAGGCCTCTACGGCCTTTGGATACATCCCAGAGTTCAC[G>A]GTAGGTTCACAACAACCCTTTTTGGGCCCTATACCTTTATGTGGGTAATTGACACCCTTC-3'
Protein context (NP_005179.2, residues 708-728): LRPLDTSQSS[Arg718Gln]ACDCDQQIDS